The following is an entry in ClinVar:

NM_004655.4(AXIN2):c.1404CCA[8] (p.His473_His474dup)

Gene: AXIN2 (axin 2; minus strand). Cytogenetic location: 17q24.1.
Variant type: Microsatellite.
Coding change: c.1404CCA[8] on transcript NM_004655.4 (MANE Select); eight copies in a row of the 3-base unit CCA starting at c.1404; the reference has six copies in a row; two copies, 6 bases duplicated; also written c.1416_1421dup.
Protein change: p.His473_His474dup.
Molecular consequence: inframe insertion.
Genome position (GRCh38, 1-based): chr17:65,537,615-65,537,620, TGGTGG duplicated on the plus strand (CCACCA on the coding strand, the reverse complement: AXIN2 is on the minus strand); duplicating any 6 consecutive bases within chr17:65,537,615-65,537,633 gives the same sequence; the position shown is the placement nearest the transcript's 3' end. VCF-style (leftmost placement, unchanged base first): chr17-65537614-A-ATGGTGG. GRCh37 (hg19) VCF-style: chr17-63533732-A-ATGGTGG.
Other names: c.1416_1421dup (NM_004655.3); c.1404CCA[8], p.His473_His474dup (NM_001363813.1).
Identifiers: ClinVar variation 239988 (VCV000239988.19), dbSNP rs570443161, ClinGen allele CA10583649.
Genomic context (GRCh38, chr17:65,537,614, plus strand): 5'-CGGCGAGGCGGCCGCGGGAGGCAGCTTGCCACCGGGCGGGAGCAGGGAGTGGTACTGCGA[A>ATGGTGG]TGGTGGTGGTGGTGGTGGTCCGGGGAGCGGGAGCGGGGGCTATAGCGGCCTACGCCTGGA-3'

ClinVar aggregate classification (germline): Conflicting classifications of pathogenicity. Review status: criteria provided, conflicting classifications (1 of 4 stars). 4 submissions from 4 submitters: Uncertain significance (3); Likely benign (1). Last evaluated 2026-01-27.

Conditions:
Hereditary cancer-predisposing syndrome. Also called: Neoplastic Syndromes, Hereditary; Hereditary neoplastic syndrome; Tumor predisposition; Hereditary Cancer Syndrome. Identifiers: Orphanet 140162, MedGen C0027672, MeSH D009386, MONDO:0015356.
Oligodontia-cancer predisposition syndrome. Also called: TOOTH AGENESIS-COLORECTAL CANCER SYNDROME. Identifiers: Orphanet 300576, MedGen C1837750, MONDO:0012075, OMIM 608615. Disease mechanism: loss of function.

Submissions (4):

Labcorp Genetics (formerly Invitae), Labcorp
Classification: Uncertain significance for Oligodontia-cancer predisposition syndrome. Last evaluated: 2026-01-27. Review status: criteria provided, single submitter. Criteria: Invitae Variant Classification Sherloc (09022015). Collection method: clinical testing. Allele origin: germline.
Comment: This variant, c.1416_1421dup, results in the insertion of 2 amino acid(s) of the AXIN2 protein (p.His473_His474dup), but otherwise preserves the integrity of the reading frame. This variant is present in population databases (no rsID available, gnomAD 0.004%). This variant has not been reported in the literature in individuals affected with AXIN2-related conditions. ClinVar contains an entry for this variant (Variation ID: 239988). Experimental studies and prediction algorithms are not available or were not evaluated, and the functional significance of this variant is currently unknown. In summary, the available evidence is currently insufficient to determine the role of this variant in disease. Therefore, it has been classified as a Variant of Uncertain Significance.

GeneDx
Classification: Uncertain significance. Last evaluated: 2024-05-14. Review status: criteria provided, single submitter. Criteria: GeneDx Variant Classification Process June 2021. Collection method: clinical testing. Allele origin: germline. Affected: yes.
Comment: In-frame insertion of 2 amino acids in a repetitive region with no known function; Not observed at significant frequency in large population cohorts (gnomAD); Has not been previously published as pathogenic or benign to our knowledge; This variant is associated with the following publications: (PMID: 15735151)

Ambry Genetics
Classification: Likely benign for Hereditary cancer-predisposing syndrome. Last evaluated: 2024-03-22. Review status: criteria provided, single submitter. Criteria: Ambry Variant Classification Scheme 2023. Collection method: clinical testing. Allele origin: germline.

Sema4
Classification: Uncertain significance for Hereditary cancer-predisposing syndrome. Last evaluated: 2021-05-25. Review status: criteria provided, single submitter. Criteria: Sema4 Curation Guidelines. Collection method: curation. Allele origin: germline.
Comment: The AXIN2 c.1416_1421dupCCACCA (p.H473_H474dup) variant has not been reported in the literature to our knowledge. It was observed in 1/27670 chromosomes of the South Asian subpopulation in the large and broad cohorts of the Genome Aggregation Database (PMID: 32461654). This variant has been reported in ClinVar (Variation ID 239988). The evidence is insufficient to meet ACMG/AMP criteria for classifying the variant as benign or pathogenic. Thus, the clinical significance of this variant is currently uncertain.